The following is an entry in ClinVar:

NM_003737.4(DCHS1):c.6976C>T (p.Arg2326Cys)

Gene: DCHS1 (dachsous cadherin-related 1; minus strand). Cytogenetic location: 11p15.4.
Variant type: single nucleotide variant.
Coding change: c.6976C>T on transcript NM_003737.4 (MANE Select); coding-DNA position 6976, C replaced by T.
Protein change: p.Arg2326Cys; replaces arginine 2326 with cysteine.
Molecular consequence: missense variant.
Genome position (GRCh38, 1-based): chr11:6,625,368, G>A on the plus strand (C>T on the coding strand, the complement: DCHS1 is on the minus strand). VCF-style: chr11-6625368-G-A. GRCh37 (hg19) VCF-style: chr11-6646599-G-A.
Other names: short protein forms R2326C.
Identifiers: ClinVar variation 3364995 (VCV003364995.3).

ClinVar aggregate classification (germline): Uncertain significance. Review status: criteria provided, multiple submitters, no conflicts (2 of 4 stars). 2 submissions from 2 submitters: Uncertain significance (2). Last evaluated 2025-07-27.

gnomAD v4.1: 23 of 1,613,240 alleles (0.0014%); highest among the groups gnomAD compares: East Asian, 0.0045%; no homozygotes.

Submissions (2):

Labcorp Genetics (formerly Invitae), Labcorp
Classification: Uncertain significance. Last evaluated: 2025-07-27. Review status: criteria provided, single submitter. Criteria: Invitae Variant Classification Sherloc (09022015). Collection method: clinical testing. Allele origin: germline.
Comment: This sequence change replaces arginine, which is basic and polar, with cysteine, which is neutral and slightly polar, at codon 2326 of the DCHS1 protein (p.Arg2326Cys). This variant is present in population databases (rs773714208, gnomAD 0.03%). This variant has not been reported in the literature in individuals affected with DCHS1-related conditions. ClinVar contains an entry for this variant (Variation ID: 3364995). Invitae Evidence Modeling of protein sequence and biophysical properties (such as structural, functional, and spatial information, amino acid conservation, physicochemical variation, residue mobility, and thermodynamic stability) indicates that this missense variant is not expected to disrupt DCHS1 protein function with a negative predictive value of 80%. In summary, the available evidence is currently insufficient to determine the role of this variant in disease. Therefore, it has been classified as a Variant of Uncertain Significance.

GeneDx
Classification: Uncertain significance. Last evaluated: 2023-12-01. Review status: criteria provided, single submitter. Criteria: GeneDx Variant Classification Process June 2021. Collection method: clinical testing. Allele origin: germline. Affected: yes.
Comment: In silico analysis supports that this missense variant has a deleterious effect on protein structure/function; Has not been previously published as pathogenic or benign to our knowledge